The following is an entry in ClinVar:

ClinVar aggregate classification (germline): Likely benign (0 of 4 stars; one submission).

Conditions:
PLXNA1-related disorder. Also called: PLXNA1-related condition.

Submission:

PreventionGenetics, part of Exact Sciences
Classification: Likely benign for PLXNA1-related condition. Last evaluated: 2023-08-09. Review status: no assertion criteria provided. Collection method: clinical testing. Allele origin: germline.
Comment: This variant is classified as likely benign based on ACMG/AMP sequence variant interpretation guidelines (Richards et al. 2015 PMID: 25741868, with internal and published modifications).

NM_032242.4(PLXNA1):c.4870+7G>T

Gene: PLXNA1 (plexin A1; plus strand). Cytogenetic location: 3q21.3.
Variant type: single nucleotide variant.
Coding change: c.4870+7G>T on transcript NM_032242.4 (MANE Select); 7 bases into the intron after coding-DNA position 4870, G replaced by T.
Molecular consequence: intron variant.
Genome position (GRCh38, 1-based): chr3:127,029,543, G>T. VCF-style: chr3-127029543-G-T. GRCh37 (hg19) VCF-style: chr3-126748386-G-T.
Identifiers: ClinVar variation 3348377 (VCV003348377.1).